The following is an entry in ClinVar:

ClinVar aggregate classification (germline): Pathogenic (0 of 4 stars; one submission).

Conditions:
Alkaptonuria (AKU). Also called: Alkaptonuric ochronosis; Homogentisic acidura; Alcaptonuria; HOMOGENTISIC ACID OXIDASE DEFICIENCY. Identifiers: Orphanet 56, MedGen C0002066, MONDO:0008753, OMIM 203500.

Submission:

Department Of Human Genetics, Institute Of Clinical And Translational Research, Biomedical Research Center, Slovak Academy Of Sciences
Classification: Pathogenic for Alkaptonuria. Review status: no assertion criteria provided. Collection method: research. Allele origin: germline. Inheritance: Autosomal recessive inheritance. Affected: yes. Observed: 2 variant alleles.
Comment: The variant was originally described in AKU patient in PMID:12501223. It has been submitted to the HGD gene mutation database (DB-ID: AKU_00022).

Literature cited by the submitters: PubMed 12501223.

NM_000187.4(HGD):c.289T>C (p.Trp97Arg)

Gene: HGD (homogentisate 1,2-dioxygenase; minus strand). Cytogenetic location: 3q13.33.
Variant type: single nucleotide variant.
Coding change: c.289T>C on transcript NM_000187.4 (MANE Select); coding-DNA position 289, T replaced by C.
Protein change: p.Trp97Arg; replaces tryptophan 97 with arginine.
Molecular consequence: missense variant.
Genome position (GRCh38, 1-based): chr3:120,652,645, A>G on the plus strand (T>C on the coding strand, the complement: HGD is on the minus strand). VCF-style: chr3-120652645-A-G. GRCh37 (hg19) VCF-style: chr3-120371492-A-G.
Other names: short protein forms W97R.
Identifiers: ClinVar variation 2626827 (VCV002626827.1), dbSNP rs2472725122, ClinGen allele CA354078788.